The following is an entry in ClinVar:

ClinVar aggregate classification (germline): Uncertain significance (1 of 4 stars; one submission).

Conditions:
CCDC22-related disorder. Also called: CCDC22-related condition.

Submission:

PreventionGenetics, part of Exact Sciences
Classification: Uncertain significance for CCDC22-related condition. Last evaluated: 2025-08-30. Review status: criteria provided, single submitter. Criteria: ACMG Guidelines, 2015. Collection method: clinical testing. Allele origin: germline.
Comment: The CCDC22 c.503G>A variant is predicted to result in the amino acid substitution p.Arg168Lys. To our knowledge, this variant has not been reported in the literature or in a large population database (gnomAD), indicating this variant is rare. At this time, the clinical significance of this variant is uncertain due to the absence of conclusive functional and genetic evidence.

NM_014008.5(CCDC22):c.503G>A (p.Arg168Lys)

Gene: CCDC22 (CCC complex scaffolding subunit CCDC22; plus strand). Cytogenetic location: Xp11.23.
Variant type: single nucleotide variant.
Coding change: c.503G>A on transcript NM_014008.5 (MANE Select); coding-DNA position 503, G replaced by A.
Protein change: p.Arg168Lys; replaces arginine 168 with lysine.
Molecular consequence: missense variant.
Genome position (GRCh38, 1-based): chrX:49,243,152, G>A. VCF-style: chrX-49243152-G-A. GRCh37 (hg19) VCF-style: chrX-49099618-G-A.
Other names: short protein forms R168K.
Identifiers: ClinVar variation 4993261 (VCV004993261.1).